The following is an entry in ClinVar:

NM_017671.5(FERMT1):c.1861-1G>A

Gene: FERMT1 (FERM domain containing kindlin 1; minus strand). Cytogenetic location: 20p12.3.
Variant type: single nucleotide variant.
Coding change: c.1861-1G>A on transcript NM_017671.5 (MANE Select); the canonical splice acceptor site of the intron before coding-DNA position 1861, G replaced by A.
Molecular consequence: splice acceptor variant.
Genome position (GRCh38, 1-based): chr20:6,077,347, C>T on the plus strand (G>A on the coding strand, the complement: FERMT1 is on the minus strand). VCF-style: chr20-6077347-C-T. GRCh37 (hg19) VCF-style: chr20-6057994-C-T.
Identifiers: ClinVar variation 1329491 (VCV001329491.3), dbSNP rs779915885, ClinGen allele CA9758003.

ClinVar aggregate classification (germline): Pathogenic (1 of 4 stars; one submission).

Conditions:
Kindler syndrome (KNDLRS). Also called: POIKILODERMA, CONGENITAL, WITH BULLAE, WEARY TYPE; POIKILODERMA, HEREDITARY ACROKERATOTIC; BULLOUS ACROKERATOTIC POIKILODERMA OF KINDLER AND WEARY; Poikiloderma of Kindler; Congenital bullous poikiloderma; Kindler's syndrome. Identifiers: Orphanet 2908, Orphanet 306539, MedGen C0406557, MONDO:0008260, OMIM 173650.

Allele frequency attached by ClinVar (database versions not stated): gnomAD exomes below 0.00001; ExAC 0.00001.
gnomAD v4.1: 1 of 1,614,074 alleles (0.000062%); highest among the groups gnomAD compares: East Asian, 0.0022%; no homozygotes.

Submission:

Diagnostics Services (NGS), CSIR - Centre For Cellular And Molecular Biology
Classification: Pathogenic for Kindler syndrome. Last evaluated: 2021-11-15. Review status: criteria provided, single submitter. Criteria: ACMG Guidelines, 2015. Collection method: clinical testing. Allele origin: germline. Inheritance: Autosomal recessive inheritance. Affected: yes. Observed: 1 variant allele, 1 homozygote.
Comment: The c.1861-1G>A variant is not present in publicly available population databases like 1000 Genomes, Exome Variant Server (EVS), Exome Aggregation Consortium (ExAC) and Genome Aggregation Database (gnomAD). The variant is not present in Indian Exome Database and in our in-house exome database. The variant was earlier identified in patients affected with Kindler syndrome [PMID:17460733, 21336475, 21936020] and was reported to Human Genome Mutation Database (HGMD ID: CS075084). In-silico pathogenicity prediction programs like MutationTaster2, CADD, Varsome, HSF3 etc. predicted this variant to be likely disease causing by affecting splicing of the mRNA.